The following is an entry in ClinVar:

NM_024312.5(GNPTAB):c.216C>G (p.Pro72=)

Gene: GNPTAB (N-acetylglucosamine-1-phosphate transferase subunits alpha and beta; minus strand). Cytogenetic location: 12q23.2.
Variant type: single nucleotide variant.
Coding change: c.216C>G on transcript NM_024312.5 (MANE Select); coding-DNA position 216, C replaced by G.
Protein change: p.Pro72=; no amino-acid change (proline 72 retained).
Molecular consequence: synonymous variant.
Genome position (GRCh38, 1-based): chr12:101,790,045, G>C on the plus strand (C>G on the coding strand, the complement: GNPTAB is on the minus strand). VCF-style: chr12-101790045-G-C. GRCh37 (hg19) VCF-style: chr12-102183823-G-C.
Identifiers: ClinVar variation 5041705 (VCV005041705.1).

ClinVar aggregate classification (germline): Likely benign (1 of 4 stars; one submission).

gnomAD v4.1: 2 of 1,614,076 alleles (0.00012%); highest among the groups gnomAD compares: Non-Finnish European, 0.00017%; no homozygotes.

Submission:

CeGaT Center for Human Genetics Tuebingen
Classification: Likely benign. Last evaluated: 2026-09-01. Review status: criteria provided, single submitter. Criteria: CeGaT Center For Human Genetics Tuebingen Variant Classification Criteria Version 2. Collection method: clinical testing. Allele origin: germline. Affected: yes. Observed: 1 variant allele.
Comment: GNPTAB: BP4, BP7